The following is an entry in ClinVar:

ClinVar aggregate classification (germline): Uncertain significance (1 of 4 stars; one submission).

Submission:

GeneDx
Classification: Uncertain significance. Last evaluated: 2025-02-16. Review status: criteria provided, single submitter. Criteria: GeneDx Variant Classification Process June 2021. Collection method: clinical testing. Allele origin: germline. Affected: yes.
Comment: Frameshift variant predicted to result in protein truncation or nonsense mediated decay in a gene or region of a gene for which loss of function is not a well-established mechanism of disease; Not observed at significant frequency in large population cohorts (gnomAD); Has not been previously published as pathogenic or benign to our knowledge

NM_004171.4(SLC1A2):c.1032del (p.Phe345fs)

Gene: SLC1A2 (solute carrier family 1 member 2; minus strand). Cytogenetic location: 11p13.
Variant type: Deletion.
Coding change: c.1032del on transcript NM_004171.4 (MANE Select); coding-DNA position 1032, one base deleted (C; older notation c.1032delC).
Protein change: p.Phe345fs; shifts the reading frame from phenylalanine 345.
Molecular consequence: frameshift variant. On other transcripts: intron variant (1).
Genome position (GRCh38, 1-based): chr11:35,292,346, G deleted on the plus strand (C on the coding strand, the reverse complement: SLC1A2 is on the minus strand); the first of 4 consecutive G bases (chr11:35,292,346-35,292,349); deleting any one gives the same sequence. VCF-style (leftmost placement, unchanged base first): chr11-35292345-AG-A. GRCh37 (hg19) VCF-style: chr11-35313892-AG-A.
Other names: c.1005del, p.Phe336fs (NM_001195728.3, NM_001252652.2, NM_001439341.1); c.1020del, p.Phe341fs (NM_001439342.1); c.858-5395del (NM_001439343.1); short protein forms F336fs, F341fs, F345fs.
Identifiers: ClinVar variation 4075650 (VCV004075650.1).
Genomic context (GRCh38, chr11:35,292,345, plus strand): 5'-ACCTGGAAGCGGTGCCCAGGGCAGTGATCCAAGCTTGGAAAATGCCAGCAAAAAAGGAGA[AG>A]GGGTTTTTCCTGGTCACTACAAAGTAAATCAAGGGGAGAAAGATGCCCCCGTGGATGATG-3'